The following is an entry in ClinVar:

ClinVar aggregate classification (germline): Benign/Likely benign. Review status: criteria provided, multiple submitters, no conflicts (2 of 4 stars). 6 submissions from 6 submitters: Benign (5); Likely benign (1). Last evaluated 2026-01-26.

Conditions:
Retinal cone dystrophy 4 (RCD4). Identifiers: Orphanet 1872, MedGen C1864849, MONDO:0012507, OMIM 610478.

Allele frequency attached by ClinVar (database versions not stated): gnomAD 0.00623 and 0.00659; TOPMed 0.00659; 1000 Genomes Project 0.00679; 1000 Genomes Project 30x 0.00703; ESP Exome Variant Server 0.00711; gnomAD exomes 0.00850 and 0.00987; ExAC 0.02094.
gnomAD v4.1: 15,037 of 1,585,220 alleles (0.95%); highest among the groups gnomAD compares: South Asian, 2.3%; 115 homozygotes.

Submissions (6):

Labcorp Genetics (formerly Invitae), Labcorp
Classification: Benign. Last evaluated: 2026-01-26. Review status: criteria provided, single submitter. Criteria: Invitae Variant Classification Sherloc (09022015). Collection method: clinical testing. Allele origin: germline.

Fulgent Genetics
Classification: Likely benign for Retinal cone dystrophy 4. Last evaluated: 2021-12-09. Review status: criteria provided, single submitter. Criteria: ACMG Guidelines, 2015. Collection method: clinical testing. Allele origin: unknown.

Illumina Laboratory Services, Illumina
Classification: Benign for Retinal cone dystrophy 4. Last evaluated: 2018-01-13. Review status: criteria provided, single submitter. Criteria: ICSL Variant Classification Criteria 13 December 2019. Collection method: clinical testing. Allele origin: germline.
Comment: This variant was observed in the ICSL laboratory as part of a predisposition screen in an ostensibly healthy population. It had not been previously curated by ICSL or reported in the Human Gene Mutation Database (HGMD: prior to June 1st, 2018), and was therefore a candidate for classification through an automated scoring system. Utilizing variant allele frequency, disease prevalence and penetrance estimates, and inheritance mode, an automated score was calculated to assess if this variant is too frequent to cause the disease. Based on the score and internal cut-off values, a variant classified as benign is not then subjected to further curation. The score for this variant resulted in a classification of benign for this disease.

Eurofins Ntd Llc (ga)
Classification: Benign. Last evaluated: 2014-08-11. Review status: criteria provided, single submitter. Criteria: EGL Classification Definitions 2015. Collection method: clinical testing. Allele origin: germline. Observed: 1 variant allele, 1 heterozygote.

Breakthrough Genomics
Classification: Benign. Review status: criteria provided, single submitter. Criteria: ACMG Guidelines, 2015. Collection method: not provided. Allele origin: germline. Inheritance: Autosomal recessive inheritance. Affected: yes.

PreventionGenetics, part of Exact Sciences
Classification: Benign. Review status: criteria provided, single submitter. Criteria: ACMG Guidelines, 2015. Collection method: clinical testing. Allele origin: germline.

NM_172364.5(CACNA2D4):c.3065C>T (p.Pro1022Leu)

Gene: CACNA2D4 (calcium voltage-gated channel auxiliary subunit alpha2delta 4; minus strand). Cytogenetic location: 12p13.33.
Variant type: single nucleotide variant.
Coding change: c.3065C>T on transcript NM_172364.5 (MANE Select); coding-DNA position 3065, C replaced by T.
Protein change: p.Pro1022Leu; replaces proline 1022 with leucine.
Molecular consequence: missense variant.
Genome position (GRCh38, 1-based): chr12:1,797,466, G>A on the plus strand (C>T on the coding strand, the complement: CACNA2D4 is on the minus strand). VCF-style: chr12-1797466-G-A. GRCh37 (hg19) VCF-style: chr12-1906632-G-A.
Other names: short protein forms P1022L.
Identifiers: ClinVar variation 196962 (VCV000196962.20), dbSNP rs61741336, ClinGen allele CA202648.